The following is an entry in ClinVar:

ClinVar aggregate classification (germline): Uncertain significance (1 of 4 stars; one submission).

gnomAD v4.1: 8 of 1,602,762 alleles (0.0005%); highest among the groups gnomAD compares: South Asian, 0.009%; no homozygotes.

Submission:

Labcorp Genetics (formerly Invitae), Labcorp
Classification: Uncertain significance. Last evaluated: 2025-03-03. Review status: criteria provided, single submitter. Criteria: Invitae Variant Classification Sherloc (09022015). Collection method: clinical testing. Allele origin: germline.
Comment: This sequence change replaces arginine, which is basic and polar, with leucine, which is neutral and non-polar, at codon 1718 of the DOCK6 protein (p.Arg1718Leu). This variant is present in population databases (rs767651660, gnomAD 0.007%). This variant has not been reported in the literature in individuals affected with DOCK6-related conditions. Invitae Evidence Modeling of protein sequence and biophysical properties (such as structural, functional, and spatial information, amino acid conservation, physicochemical variation, residue mobility, and thermodynamic stability) has been performed for this missense variant. However, the output from this modeling did not meet the statistical confidence thresholds required to predict the impact of this variant on DOCK6 protein function. In summary, the available evidence is currently insufficient to determine the role of this variant in disease. Therefore, it has been classified as a Variant of Uncertain Significance.

NM_020812.4(DOCK6):c.5153G>T (p.Arg1718Leu)

Genes: DOCK6 (dedicator of cytokinesis 6; minus strand), DOCK6-AS1 (DOCK6 antisense RNA 1; plus strand). Cytogenetic location: 19p13.2.
Variant type: single nucleotide variant.
Coding change: c.5153G>T on transcript NM_020812.4 (MANE Select); coding-DNA position 5153, G replaced by T.
Protein change: p.Arg1718Leu; replaces arginine 1718 with leucine.
Molecular consequence: missense variant.
Genome position (GRCh38, 1-based): chr19:11,204,267, C>A on the plus strand (G>T on the coding strand, the complement: DOCK6 is on the minus strand). VCF-style: chr19-11204267-C-A. GRCh37 (hg19) VCF-style: chr19-11314943-C-A.
Other names: c.5258G>T, p.Arg1753Leu (NM_001367830.1); short protein forms R1718L, R1753L.
Identifiers: ClinVar variation 3608243 (VCV003608243.2).